The following is an entry in ClinVar:

NM_001134363.3(RBM20):c.3040G>T (p.Glu1014Ter)

Gene: RBM20 (RNA binding motif protein 20; plus strand). Cytogenetic location: 10q25.2.
Variant type: single nucleotide variant.
Coding change: c.3040G>T on transcript NM_001134363.3 (MANE Select); coding-DNA position 3040, G replaced by T.
Protein change: p.Glu1014Ter; replaces glutamic acid 1014 with a stop codon.
Molecular consequence: nonsense.
Genome position (GRCh38, 1-based): chr10:110,821,659, G>T. VCF-style: chr10-110821659-G-T. GRCh37 (hg19) VCF-style: chr10-112581417-G-T.
Other names: short protein forms E1014*.
Identifiers: ClinVar variation 580139 (VCV000580139.6), dbSNP rs1220240959, ClinGen allele CA378380248.

ClinVar aggregate classification (germline): Pathogenic (1 of 4 stars; one submission).

Conditions:
Dilated cardiomyopathy 1DD (CMD1DD). Identifiers: Orphanet 154, MedGen C2750995, MONDO:0013168, OMIM 613172.

Allele frequency attached by ClinVar (database versions not stated): gnomAD exomes below 0.00001; TOPMed below 0.00001; gnomAD 0.00001.
gnomAD v4.1: 3 of 1,551,682 alleles (0.00019%); highest among the groups gnomAD compares: Non-Finnish European, 0.00026%; no homozygotes.

Submission:

Labcorp Genetics (formerly Invitae), Labcorp
Classification: Pathogenic for Dilated cardiomyopathy 1DD. Last evaluated: 2025-12-08. Review status: criteria provided, single submitter. Criteria: Invitae Variant Classification Sherloc (09022015). Collection method: clinical testing. Allele origin: germline.
Comment: This sequence change creates a premature translational stop signal (p.Glu1014*) in the RBM20 gene. It is expected to result in an absent or disrupted protein product. Loss-of-function variants in RBM20 are known to be pathogenic (PMID: 20590677, 22004663, 38288598, 38510713, 40339755). This variant is present in population databases (no rsID available, gnomAD 0.01%). This variant has not been reported in the literature in individuals affected with RBM20-related conditions. ClinVar contains an entry for this variant (Variation ID: 580139). For these reasons, this variant has been classified as Pathogenic.

Literature cited by the submitters: PubMed 20590677; PubMed 22004663; PubMed 38288598; PubMed 38510713; PubMed 40339755.